The following is an entry in ClinVar:

ClinVar aggregate classification (germline): Uncertain significance (1 of 4 stars; one submission).

Conditions:
Hereditary cancer-predisposing syndrome. Also called: Tumor predisposition; Neoplastic Syndromes, Hereditary; Hereditary Cancer Syndrome; Hereditary neoplastic syndrome. Identifiers: Orphanet 140162, MedGen C0027672, MeSH D009386, MONDO:0015356.

gnomAD v4.1: 1 of 1,603,292 alleles (0.000062%); highest among the groups gnomAD compares: South Asian, 0.0011%; no homozygotes.

Submission:

Ambry Genetics
Classification: Uncertain significance for Hereditary cancer-predisposing syndrome. Last evaluated: 2024-07-09. Review status: criteria provided, single submitter. Criteria: Ambry Variant Classification Scheme 2023. Collection method: clinical testing. Allele origin: germline.
Comment: The c.1937-2A>G intronic variant results from an A to G substitution two nucleotides upstream from coding exon 13 in the CDH1 gene. Alterations that disrupt the canonical splice site are expected to result in aberrant splicing. In silico splice site analysis predicts that this alteration will weaken the native splice acceptor site and may result in the creation or strengthening of a novel splice acceptor site. The resulting transcript is predicted to be in-frame and is not expected to trigger nonsense-mediated mRNA decay; however, direct evidence is unavailable. The exact functional effect of the altered amino acid sequence is unknown. This nucleotide position is well conserved in available vertebrate species. Based on the available evidence, the clinical significance of this variant remains unclear.

NM_004360.5(CDH1):c.1937-2A>G

Gene: CDH1 (cadherin 1; plus strand). Cytogenetic location: 16q22.1.
Variant type: single nucleotide variant.
Coding change: c.1937-2A>G on transcript NM_004360.5 (MANE Select); the canonical splice acceptor site of the intron before coding-DNA position 1937, A replaced by G.
Molecular consequence: splice acceptor variant.
Genome position (GRCh38, 1-based): chr16:68,823,397, A>G. VCF-style: chr16-68823397-A-G. GRCh37 (hg19) VCF-style: chr16-68857300-A-G.
Other names: c.389-2A>G (NM_001317185.2); c.-29-2A>G (NM_001317186.2); c.1754-2A>G (NM_001317184.2).
Identifiers: ClinVar variation 3488628 (VCV003488628.1).